The following is an entry in ClinVar:

ClinVar aggregate classification (germline): Uncertain significance (1 of 4 stars; one submission).

Allele frequency attached by ClinVar (database versions not stated): gnomAD exomes 0.00002 and 0.00004; TOPMed 0.00002; ExAC 0.00003; gnomAD 0.00003 and 0.00004.
gnomAD v4.1: 40 of 1,613,656 alleles (0.0025%); highest among the groups gnomAD compares: Middle Eastern, 0.15%; no homozygotes.

Submission:

Labcorp Genetics (formerly Invitae), Labcorp
Classification: Uncertain significance. Last evaluated: 2025-08-31. Review status: criteria provided, single submitter. Criteria: Invitae Variant Classification Sherloc (09022015). Collection method: clinical testing. Allele origin: germline.
Comment: This sequence change replaces arginine, which is basic and polar, with cysteine, which is neutral and slightly polar, at codon 53 of the CARD8 protein (p.Arg53Cys). This variant is present in population databases (rs780214022, gnomAD 0.009%). This variant has not been reported in the literature in individuals affected with CARD8-related conditions. ClinVar contains an entry for this variant (Variation ID: 1423300). An algorithm developed to predict the effect of missense changes on protein structure and function (PolyPhen-2) suggests that this variant is likely to be tolerated. In summary, the available evidence is currently insufficient to determine the role of this variant in disease. Therefore, it has been classified as a Variant of Uncertain Significance.

NM_001184900.3(CARD8):c.307C>T (p.Arg103Cys)

Gene: CARD8 (caspase recruitment domain family member 8; minus strand). Cytogenetic location: 19q13.33.
Variant type: single nucleotide variant.
Coding change: c.307C>T on transcript NM_001184900.3 (MANE Select); coding-DNA position 307, C replaced by T.
Protein change: p.Arg103Cys; replaces arginine 103 with cysteine.
Molecular consequence: missense variant. On other transcripts: synonymous variant (6), 5 prime UTR variant (1), non-coding transcript variant (4).
Genome position (GRCh38, 1-based): chr19:48,234,446, G>A on the plus strand (C>T on the coding strand, the complement: CARD8 is on the minus strand). VCF-style: chr19-48234446-G-A. GRCh37 (hg19) VCF-style: chr19-48737703-G-A.
Other names: c.157C>T, p.Arg53Cys (NM_001184901.1, NM_001351783.2, NM_001351788.2 and 2 more transcripts); c.307C>T, p.Arg103Cys (NM_001184902.2, NM_001184903.1, NM_001351782.2); c.33C>T, p.Ser11= (NM_001351784.2, NM_001351787.2, NM_001351791.2 and 2 more transcripts); c.-182C>T (NM_001351786.2); c.105C>T, p.Ser35= (NM_001351790.2); short protein forms R103C, R53C.
Identifiers: ClinVar variation 1423300 (VCV001423300.6), dbSNP rs780214022, ClinGen allele CA9548100.